The following is an entry in ClinVar:

ClinVar aggregate classification (germline): Pathogenic/Likely pathogenic. Review status: criteria provided, multiple submitters, no conflicts (2 of 4 stars). 2 submissions from 2 submitters: Pathogenic (1); Likely pathogenic (1). Last evaluated 2023-09-06.

Conditions:
PIK3CA related overgrowth syndrome. Also called: PIK3CA related overgrowth spectrum; PIK3CA-Related Segmental Overgrowth. Identifiers: Orphanet 530313, MedGen C4728213, MONDO:1040002.

Submissions (2):

Clinical Genomics Laboratory, Washington University in St. Louis
Classification: Likely pathogenic for PIK3CA-related overgrowth syndrome. Last evaluated: 2023-09-06. Review status: criteria provided, single submitter. Criteria: ACMG Guidelines, 2015. Collection method: clinical testing. Allele origin: somatic. Affected: yes.
Comment: The PIK3CA c.1340_1366del (p.Pro447_Leu455del) variant was identified at an allelic fraction consistent with somatic origin. This variant has been reported in two individuals affected with PROS disorders (Kirstein AS et al., PMID: 31627436; Li D et al., PMID: 37264205). This variant has been reported in the ClinVar database as a pathogenic germline variant by one submitter (ClinVar ID: 2571196), and it has been reported in three cases in the cancer database COSMIC (Genomic Mutation ID: COSV56030552). The PIK3CA c.1340_1366del (p.Pro447_Leu455del) variant is absent from the general population (gnomAD v.3.1.2), indicating it is not a common variant. This variant is predicted to cause a change in the length of the protein due to an in-frame deletion of nine amino acids in a non-repeat region. This variant resides within a region, the C2 domain, amino acids 325-484, of PIK3CA that is defined as a critical functional domain (Zhao L et al., PMID: 18268322; Samuels Y et al., PMID: 15016963; Wu H et al., PMID: 19915146). In vitro functional studies show that this variant affects protein stability and hyperactivates the PI3K/AKT/TOR pathway and induces cell transformation (Croessmann S et al., PMID: 29284706). Based on an internally-developed protocol informed by the ACMG/AMP guidelines (Richards S et al., PMID: 25741868) and gene-specific practices from the ClinGen Criteria Specification Registry, the PIK3CA c.1340_1366del (p.Pro447_Leu455del) variant is classified as likely pathogenic.

CeGaT Center for Human Genetics Tuebingen
Classification: Pathogenic. Last evaluated: 2023-05-01. Review status: criteria provided, single submitter. Criteria: CeGaT Center For Human Genetics Tuebingen Variant Classification Criteria Version 2. Collection method: clinical testing. Allele origin: germline. Affected: yes. Observed: 1 variant allele.

NM_006218.4(PIK3CA):c.1340_1366del (p.Pro447_Leu455del)

Gene: PIK3CA (phosphatidylinositol-4,5-bisphosphate 3-kinase catalytic subunit alpha; plus strand). Cytogenetic location: 3q26.32.
Variant type: Deletion.
Coding change: c.1340_1366del on transcript NM_006218.4 (MANE Select); coding-DNA positions 1340 to 1366, 27 bases deleted (CAGTACCTCATGGATTAGAAGATTTGC).
Protein change: p.Pro447_Leu455del.
Molecular consequence: inframe deletion.
Genome position (GRCh38, 1-based): chr3:179,210,274-179,210,300, CAGTACCTCATGGATTAGAAGATTTGC deleted; deleting any 27 consecutive bases within chr3:179,210,272-179,210,300 gives the same sequence; the c. name uses the placement nearest the transcript's 3' end. VCF-style (leftmost placement, unchanged base first): chr3-179210271-GGCCAGTACCTCATGGATTAGAAGATTT-G. GRCh37 (hg19) VCF-style: chr3-178928059-GGCCAGTACCTCATGGATTAGAAGATTT-G.
Identifiers: ClinVar variation 2571196 (VCV002571196.27), dbSNP rs2473511125, ClinGen allele CA2580616011.